The following is an entry in ClinVar:

NM_023110.3(FGFR1):c.709G>C (p.Gly237Arg)

Gene: FGFR1 (fibroblast growth factor receptor 1; minus strand). Cytogenetic location: 8p11.23.
Variant type: single nucleotide variant.
Coding change: c.709G>C on transcript NM_023110.3 (MANE Select); coding-DNA position 709, G replaced by C.
Protein change: p.Gly237Arg; replaces glycine 237 with arginine.
Molecular consequence: missense variant.
Genome position (GRCh38, 1-based): chr8:38,426,158, C>G on the plus strand (G>C on the coding strand, the complement: FGFR1 is on the minus strand). VCF-style: chr8-38426158-C-G. GRCh37 (hg19) VCF-style: chr8-38283676-C-G.
Other names: c.709G>C, p.Gly237Arg (NM_001174063.2); c.685G>C, p.Gly229Arg (NM_001174064.2); c.703G>C, p.Gly235Arg (NM_001174065.2, NM_001354367.2, NM_001354369.2 and 2 more transcripts); c.442G>C, p.Gly148Arg (NM_001174066.2, NM_023105.3); c.802G>C, p.Gly268Arg (NM_001174067.2); c.436G>C, p.Gly146Arg (NM_001354368.2, NM_001354370.2, NM_023106.3); short protein forms G146R, G148R, G229R, G235R, G237R, G268R.
Identifiers: ClinVar variation 3769994 (VCV003769994.1).
Genomic context (GRCh38, chr8:38,426,158, plus strand): 5'-CTCCTGCTGCCTCTGCCCTCTTACCCACGACATCCAGCTGGTATGTGTGGTTGATGCTGC[C>G]GTACTCATTCTCCACAATGCAGGTGTAGTTGCCCTTGTCAGAGGGCACCACAGAGTCCAT-3'
Protein context (NP_075598.2, residues 227-247): NYTCIVENEY[Gly237Arg]SINHTYQLDV

ClinVar aggregate classification (germline): Uncertain significance (1 of 4 stars; one submission).

Submission:

GeneDx
Classification: Uncertain significance. Last evaluated: 2024-09-11. Review status: criteria provided, single submitter. Criteria: GeneDx Variant Classification Process June 2021. Collection method: clinical testing. Allele origin: germline. Affected: yes.
Comment: Not observed at significant frequency in large population cohorts (gnomAD); In silico analysis supports that this missense variant has a deleterious effect on protein structure/function; Has not been previously published as pathogenic or benign to our knowledge